The following is an entry in ClinVar:

ClinVar aggregate classification (germline): Benign. Review status: criteria provided, multiple submitters, no conflicts (2 of 4 stars). 6 submissions from 6 submitters: Benign (6). Last evaluated 2026-02-03.

Allele frequency attached by ClinVar (database versions not stated): gnomAD exomes 0.90496 and 0.93164; ESP Exome Variant Server 0.92420; gnomAD 0.93014 and 0.93208; ExAC 0.93030; TOPMed 0.93631; 1000 Genomes Project 30x 0.96627; 1000 Genomes Project 0.96705.
gnomAD v4.1: 1,462,992 of 1,611,058 alleles (91%); highest among the groups gnomAD compares: East Asian, 100%; 665,294 homozygotes.

Submissions (6):

Labcorp Genetics (formerly Invitae), Labcorp
Classification: Benign. Last evaluated: 2026-02-03. Review status: criteria provided, single submitter. Criteria: Invitae Variant Classification Sherloc (09022015). Collection method: clinical testing. Allele origin: germline.

Blueprint Genetics
Classification: Benign. Last evaluated: 2024-11-27. Review status: criteria provided, single submitter. Criteria: ACMG Guidelines, 2015. Collection method: clinical testing. Allele origin: germline.

Unidad de Genómica Garrahan, Hospital de Pediatría Garrahan
Classification: Benign. Last evaluated: 2024-01-24. Review status: criteria provided, single submitter. Criteria: ACMG Guidelines, 2015. Collection method: clinical testing. Allele origin: germline. Affected: no. Observed: 87 variant alleles.
Comment: This variant is classified as Benign based on local population frequency. This variant was detected in 99% of patients studied by a panel of primary immunodeficiencies. Number of patients: 87. Only high quality variants are reported.

GeneDx
Classification: Benign. Last evaluated: 2020-07-13. Review status: criteria provided, single submitter. Criteria: GeneDx Variant Classification Process June 2021. Collection method: clinical testing. Allele origin: germline. Affected: yes.

Breakthrough Genomics
Classification: Benign. Review status: criteria provided, single submitter. Criteria: ACMG Guidelines, 2015. Collection method: not provided. Allele origin: germline. Inheritance: Unknown mechanism. Affected: yes.

PreventionGenetics, part of Exact Sciences
Classification: Benign. Review status: criteria provided, single submitter. Criteria: ACMG Guidelines, 2015. Collection method: clinical testing. Allele origin: germline.

NM_016292.3(TRAP1):c.705-14T>C

Gene: TRAP1 (TNF receptor associated protein 1; minus strand). Cytogenetic location: 16p13.3.
Variant type: single nucleotide variant.
Coding change: c.705-14T>C on transcript NM_016292.3 (MANE Select); 14 bases into the intron before coding-DNA position 705, T replaced by C.
Molecular consequence: intron variant.
Genome position (GRCh38, 1-based): chr16:3,676,159, A>G on the plus strand (T>C on the coding strand, the complement: TRAP1 is on the minus strand). VCF-style: chr16-3676159-A-G. GRCh37 (hg19) VCF-style: chr16-3726160-A-G.
Other names: c.546-14T>C (NM_001272049.2).
Identifiers: ClinVar variation 260709 (VCV000260709.17), dbSNP rs8050400, ClinGen allele CA7868527.